The following is an entry in ClinVar:

NM_007186.6(CEP250):c.158C>A (p.Ala53Glu)

Gene: CEP250 (centrosomal protein 250; plus strand). Cytogenetic location: 20q11.22.
Variant type: single nucleotide variant.
Coding change: c.158C>A on transcript NM_007186.6 (MANE Select); coding-DNA position 158, C replaced by A.
Protein change: p.Ala53Glu; replaces alanine 53 with glutamic acid.
Molecular consequence: missense variant. On other transcripts: 5 prime UTR variant (1).
Genome position (GRCh38, 1-based): chr20:35,462,525, C>A. VCF-style: chr20-35462525-C-A. GRCh37 (hg19) VCF-style: chr20-34050350-C-A.
Other names: c.-1742C>A (NM_001318219.1); short protein forms A53E.
Identifiers: ClinVar variation 1350137 (VCV001350137.3), dbSNP rs1362290736, ClinGen allele CA408751766.

ClinVar aggregate classification (germline): Uncertain significance (1 of 4 stars; one submission).

Allele frequency attached by ClinVar (database versions not stated): gnomAD exomes below 0.00001; gnomAD 0.00003; TOPMed 0.00004.
gnomAD v4.1: 6 of 1,608,086 alleles (0.00037%); highest among the groups gnomAD compares: African/African-American, 0.0053%; no homozygotes.

Submission:

Labcorp Genetics (formerly Invitae), Labcorp
Classification: Uncertain significance. Last evaluated: 2021-11-19. Review status: criteria provided, single submitter. Criteria: Invitae Variant Classification Sherloc (09022015). Collection method: clinical testing. Allele origin: germline.
Comment: This sequence change replaces alanine, which is neutral and non-polar, with glutamic acid, which is acidic and polar, at codon 53 of the CEP250 protein (p.Ala53Glu). The frequency data for this variant in the population databases is considered unreliable, as metrics indicate poor data quality at this position in the gnomAD database. This variant has not been reported in the literature in individuals affected with CEP250-related conditions. Algorithms developed to predict the effect of missense changes on protein structure and function are either unavailable or do not agree on the potential impact of this missense change (SIFT: "Not Available"; PolyPhen-2: "Probably Damaging"; Align-GVGD: "Not Available"). In summary, the available evidence is currently insufficient to determine the role of this variant in disease. Therefore, it has been classified as a Variant of Uncertain Significance.